The following is an entry in ClinVar:

NM_001089.3(ABCA3):c.3902C>G (p.Pro1301Arg)

Gene: ABCA3 (ATP binding cassette subfamily A member 3; minus strand). Cytogenetic location: 16p13.3.
Variant type: single nucleotide variant.
Coding change: c.3902C>G on transcript NM_001089.3 (MANE Select); coding-DNA position 3902, C replaced by G.
Protein change: p.Pro1301Arg; replaces proline 1301 with arginine.
Molecular consequence: missense variant.
Genome position (GRCh38, 1-based): chr16:2,283,319, G>C on the plus strand (C>G on the coding strand, the complement: ABCA3 is on the minus strand). VCF-style: chr16-2283319-G-C. GRCh37 (hg19) VCF-style: chr16-2333320-G-C.
Other names: short protein forms P1301R.
Identifiers: ClinVar variation 1736033 (VCV001736033.2), dbSNP rs762699052, ClinGen allele CA394312493.

ClinVar aggregate classification (germline): Uncertain significance (1 of 4 stars; one submission).

Conditions:
Hereditary pulmonary alveolar proteinosis. Also called: Pulmonary surfactant metabolism dysfunction. Identifiers: Orphanet 264675, MedGen C3711368, MONDO:0012580.

gnomAD v4.1: 3 of 1,613,186 alleles (0.00019%); highest among the groups gnomAD compares: Admixed American, 0.0033%; no homozygotes.

Submission:

Ambry Genetics
Classification: Uncertain significance for Hereditary pulmonary alveolar proteinosis. Last evaluated: 2021-09-20. Review status: criteria provided, single submitter. Criteria: Ambry Variant Classification Scheme 2023. Collection method: clinical testing. Allele origin: germline.
Comment: The p.P1301R variant (also known as c.3902C>G), located in coding exon 23 of the ABCA3 gene, results from a C to G substitution at nucleotide position 3902. The proline at codon 1301 is replaced by arginine, an amino acid with dissimilar properties. This amino acid position is conserved. In addition, this alteration is predicted to be deleterious by in silico analysis. Since supporting evidence is limited at this time, the clinical significance of this alteration remains unclear.